The following is an entry in ClinVar:

NM_001197104.2(KMT2A):c.850A>C (p.Lys284Gln)

Gene: KMT2A (lysine methyltransferase 2A; plus strand). Cytogenetic location: 11q23.3.
Variant type: single nucleotide variant.
Coding change: c.850A>C on transcript NM_001197104.2 (MANE Select); coding-DNA position 850, A replaced by C.
Protein change: p.Lys284Gln; replaces lysine 284 with glutamine.
Molecular consequence: missense variant.
Genome position (GRCh38, 1-based): chr11:118,472,009, A>C. VCF-style: chr11-118472009-A-C. GRCh37 (hg19) VCF-style: chr11-118342724-A-C.
Other names: c.949A>C, p.Lys317Gln (NM_001412597.1); c.850A>C, p.Lys284Gln (NM_005933.4); short protein forms K284Q, K317Q.
Identifiers: ClinVar variation 1906250 (VCV001906250.29), dbSNP rs782302349, ClinGen allele CA6303347.
Genomic context (GRCh38, chr11:118,472,009, plus strand): 5'-TTTCAGCAAGCCACAAAGATTAAAAAATTAAGAGCAGGTAAACTCTCTCCTCTCAAGTCT[A>C]AGTTTAAGACAGGGAAGCTTCAAATAGGAAGGAAGGGGGTACAAATTGTACGACGGAGAG-3'
Protein context (NP_001184033.1, residues 274-294): RAGKLSPLKS[Lys284Gln]FKTGKLQIGR

ClinVar aggregate classification (germline): Conflicting classifications of pathogenicity. Review status: criteria provided, conflicting classifications (1 of 4 stars). 3 submissions from 3 submitters: Uncertain significance (2); Likely benign (1). Last evaluated 2025-08-13.

Conditions:
Inborn genetic diseases. Identifiers: MedGen C0950123, MeSH D030342.

Allele frequency attached by ClinVar (database versions not stated): gnomAD 0.00001; gnomAD exomes 0.00001; ExAC 0.00002.
gnomAD v4.1: 16 of 1,613,748 alleles (0.00099%); highest among the groups gnomAD compares: Non-Finnish European, 0.0011%; no homozygotes.

Submissions (3):

Ambry Genetics
Classification: Likely benign for Inborn genetic diseases. Last evaluated: 2025-08-13. Review status: criteria provided, single submitter. Criteria: Ambry Variant Classification Scheme 2023. Collection method: clinical testing. Allele origin: germline.

Labcorp Genetics (formerly Invitae), Labcorp
Classification: Uncertain significance. Last evaluated: 2025-04-07. Review status: criteria provided, single submitter. Criteria: Invitae Variant Classification Sherloc (09022015). Collection method: clinical testing. Allele origin: germline.
Comment: This sequence change replaces lysine, which is basic and polar, with glutamine, which is neutral and polar, at codon 284 of the KMT2A protein (p.Lys284Gln). This variant is present in population databases (rs782302349, gnomAD 0.004%). This variant has not been reported in the literature in individuals affected with KMT2A-related conditions. ClinVar contains an entry for this variant (Variation ID: 1906250). Invitae Evidence Modeling of protein sequence and biophysical properties (such as structural, functional, and spatial information, amino acid conservation, physicochemical variation, residue mobility, and thermodynamic stability) indicates that this missense variant is not expected to disrupt KMT2A protein function with a negative predictive value of 95%. In summary, the available evidence is currently insufficient to determine the role of this variant in disease. Therefore, it has been classified as a Variant of Uncertain Significance.

CeGaT Center for Human Genetics Tuebingen
Classification: Uncertain significance. Last evaluated: 2023-11-01. Review status: criteria provided, single submitter. Criteria: CeGaT Center For Human Genetics Tuebingen Variant Classification Criteria Version 2. Collection method: clinical testing. Allele origin: germline. Affected: yes. Observed: 1 variant allele.